The following is an entry in ClinVar:

ClinVar aggregate classification (germline): Uncertain significance (1 of 4 stars; one submission).

Submission:

Labcorp Genetics (formerly Invitae), Labcorp
Classification: Uncertain significance. Last evaluated: 2022-08-19. Review status: criteria provided, single submitter. Criteria: Invitae Variant Classification Sherloc (09022015). Collection method: clinical testing. Allele origin: germline.
Comment: This sequence change replaces isoleucine, which is neutral and non-polar, with valine, which is neutral and non-polar, at codon 1158 of the COL4A1 protein (p.Ile1158Val). This variant is not present in population databases (gnomAD no frequency). This variant has not been reported in the literature in individuals affected with COL4A1-related conditions. Advanced modeling of protein sequence and biophysical properties (such as structural, functional, and spatial information, amino acid conservation, physicochemical variation, residue mobility, and thermodynamic stability) performed at Invitae indicates that this missense variant is not expected to disrupt COL4A1 protein function. In summary, the available evidence is currently insufficient to determine the role of this variant in disease. Therefore, it has been classified as a Variant of Uncertain Significance.

NM_001845.6(COL4A1):c.3472A>G (p.Ile1158Val)

Gene: COL4A1 (collagen type IV alpha 1 chain; minus strand). Cytogenetic location: 13q34.
Variant type: single nucleotide variant.
Coding change: c.3472A>G on transcript NM_001845.6 (MANE Select); coding-DNA position 3472, A replaced by G.
Protein change: p.Ile1158Val; replaces isoleucine 1158 with valine.
Molecular consequence: missense variant.
Genome position (GRCh38, 1-based): chr13:110,173,933, T>C on the plus strand (A>G on the coding strand, the complement: COL4A1 is on the minus strand). VCF-style: chr13-110173933-T-C. GRCh37 (hg19) VCF-style: chr13-110826280-T-C.
Other names: short protein forms I1158V.
Identifiers: ClinVar variation 1979437 (VCV001979437.4), dbSNP rs932389699, ClinGen allele CA256253469.
Genomic context (GRCh38, chr13:110,173,933, plus strand): 5'-GATAGGGAATGGGGCGTTGGGCCATACCTGGTTCACCCTTCTCTCCTGCTGACCCCGGGA[T>C]TCCATCACTGCCTGGCTCCCCTTTCTGGCCAGCTGGGCCTGTGGGGCCAGGAGTCCCAGG-3'
Protein context (NP_001836.3, residues 1148-1168): GQKGEPGSDG[Ile1158Val]PGSAGEKGEP